The following is an entry in ClinVar:

NM_001136191.3(KANK2):c.1084A>C (p.Thr362Pro)

Gene: KANK2 (KN motif and ankyrin repeat domains 2; minus strand). Cytogenetic location: 19p13.2.
Variant type: single nucleotide variant.
Coding change: c.1084A>C on transcript NM_001136191.3 (MANE Select); coding-DNA position 1084, A replaced by C.
Protein change: p.Thr362Pro; replaces threonine 362 with proline.
Molecular consequence: missense variant.
Genome position (GRCh38, 1-based): chr19:11,192,996, T>G on the plus strand (A>C on the coding strand, the complement: KANK2 is on the minus strand). VCF-style: chr19-11192996-T-G. GRCh37 (hg19) VCF-style: chr19-11303672-T-G.
Other names: c.1084A>C, p.Thr362Pro (NM_001379550.1, NM_001379551.1, NM_001379552.1 and 15 more transcripts); short protein forms T362P.
Identifiers: ClinVar variation 2212158 (VCV002212158.4), dbSNP rs200487991, ClinGen allele CA9205899.

ClinVar aggregate classification (germline): Uncertain significance. Review status: criteria provided, multiple submitters, no conflicts (2 of 4 stars). 2 submissions from 2 submitters: Uncertain significance (2). Last evaluated 2024-04-08.

Allele frequency attached by ClinVar (database versions not stated): gnomAD exomes 0.00006; gnomAD 0.00008; TOPMed 0.00008; ExAC 0.00015; ESP Exome Variant Server 0.00015; 1000 Genomes Project 0.00020; 1000 Genomes Project 30x 0.00031.

Submissions (2):

Labcorp Genetics (formerly Invitae), Labcorp
Classification: Uncertain significance. Last evaluated: 2024-04-08. Review status: criteria provided, single submitter. Criteria: Invitae Variant Classification Sherloc (09022015). Collection method: clinical testing. Allele origin: germline.
Comment: This sequence change replaces threonine, which is neutral and polar, with proline, which is neutral and non-polar, at codon 362 of the KANK2 protein (p.Thr362Pro). This variant is present in population databases (rs200487991, gnomAD 0.02%). This variant has not been reported in the literature in individuals affected with KANK2-related conditions. ClinVar contains an entry for this variant (Variation ID: 2212158). An algorithm developed to predict the effect of missense changes on protein structure and function (PolyPhen-2) suggests that this variant is likely to be tolerated. In summary, the available evidence is currently insufficient to determine the role of this variant in disease. Therefore, it has been classified as a Variant of Uncertain Significance.

Ambry Genetics
Classification: Uncertain significance. Last evaluated: 2021-09-01. Review status: criteria provided, single submitter. Criteria: Ambry Variant Classification Scheme 2023. Collection method: clinical testing. Allele origin: germline.